The following is an entry in ClinVar:

NM_007259.5(VPS45):c.419A>G (p.Asn140Ser)

Gene: VPS45 (vacuolar protein sorting 45 homolog; plus strand). Cytogenetic location: 1q21.2.
Variant type: single nucleotide variant.
Coding change: c.419A>G on transcript NM_007259.5 (MANE Select); coding-DNA position 419, A replaced by G.
Protein change: p.Asn140Ser; replaces asparagine 140 with serine.
Molecular consequence: missense variant. On other transcripts: intron variant (1).
Genome position (GRCh38, 1-based): chr1:150,076,965, A>G. VCF-style: chr1-150076965-A-G. GRCh37 (hg19) VCF-style: chr1-150049043-A-G.
Other names: c.311A>G, p.Asn104Ser (NM_001279354.2); c.261+653A>G (NM_001279353.2); short protein forms N104S, N140S.
Identifiers: ClinVar variation 991394 (VCV000991394.6), dbSNP rs782339252, ClinGen allele CA1073136.

ClinVar aggregate classification (germline): Uncertain significance. Review status: criteria provided, multiple submitters, no conflicts (2 of 4 stars). 3 submissions from 3 submitters: Uncertain significance (2). 1 of the submissions does not count toward it. Last evaluated 2024-02-20.

Conditions:
Congenital neutropenia-myelofibrosis-nephromegaly syndrome. Also called: Severe congenital neutropenia 5, autosomal recessive. Identifiers: Orphanet 369852, MedGen C3809031, MONDO:0014118, OMIM 615285.

Allele frequency attached by ClinVar (database versions not stated): gnomAD below 0.00001 and 0.00001; TOPMed below 0.00001; gnomAD exomes 0.00001 and 0.00002; ExAC 0.00002.
gnomAD v4.1: 13 of 1,613,966 alleles (0.00081%); highest among the groups gnomAD compares: Middle Eastern, 0.016%; no homozygotes.

Submissions (3):

Labcorp Genetics (formerly Invitae), Labcorp
Classification: Uncertain significance for Congenital neutropenia-myelofibrosis-nephromegaly syndrome. Last evaluated: 2024-02-20. Review status: criteria provided, single submitter. Criteria: Invitae Variant Classification Sherloc (09022015). Collection method: clinical testing. Allele origin: germline.
Comment: This sequence change replaces asparagine, which is neutral and polar, with serine, which is neutral and polar, at codon 140 of the VPS45 protein (p.Asn140Ser). This variant is present in population databases (rs782339252, gnomAD 0.006%). This variant has not been reported in the literature in individuals affected with VPS45-related conditions. ClinVar contains an entry for this variant (Variation ID: 991394). Advanced modeling of protein sequence and biophysical properties (such as structural, functional, and spatial information, amino acid conservation, physicochemical variation, residue mobility, and thermodynamic stability) performed at Invitae indicates that this missense variant is not expected to disrupt VPS45 protein function with a negative predictive value of 80%. Algorithms developed to predict the effect of sequence changes on RNA splicing suggest that this variant may disrupt the consensus splice site. In summary, the available evidence is currently insufficient to determine the role of this variant in disease. Therefore, it has been classified as a Variant of Uncertain Significance.

Baylor Genetics
Classification: Uncertain significance for Congenital neutropenia-myelofibrosis-nephromegaly syndrome. Last evaluated: 2020-07-01. Review status: criteria provided, single submitter. Criteria: ACMG Guidelines, 2015. Collection method: clinical testing. Allele origin: paternal. Affected: yes.
Comment: This variant was determined to be of uncertain significance according to ACMG Guidelines, 2015 [PMID:25741868].

Natera, Inc.
Classification: Uncertain significance for Autosomal recessive severe congenital neutropenia 5. Last evaluated: 2020-08-14. Review status: no assertion criteria provided. Collection method: clinical testing. Allele origin: germline. Not counted in ClinVar's aggregate classification.